The following is an entry in ClinVar:

ClinVar aggregate classification (germline): Uncertain significance. Review status: criteria provided, multiple submitters, no conflicts (2 of 4 stars). 2 submissions from 2 submitters: Uncertain significance (2). Last evaluated 2025-12-11.

Conditions:
NEK9-related disorder. Also called: NEK9-related condition.
Inborn genetic diseases. Identifiers: MedGen C0950123, MeSH D030342.

Allele frequency attached by ClinVar (database versions not stated): gnomAD 0.00001; gnomAD exomes 0.00002; TOPMed 0.00003; ExAC 0.00005; ESP Exome Variant Server 0.00008.
gnomAD v4.1: 39 of 1,613,846 alleles (0.0024%); highest among the groups gnomAD compares: Admixed American, 0.017%; no homozygotes.

Submissions (2):

Ambry Genetics
Classification: Uncertain significance for Inborn genetic diseases. Last evaluated: 2025-12-11. Review status: criteria provided, single submitter. Criteria: Ambry Variant Classification Scheme 2023. Collection method: clinical testing. Allele origin: germline.

PreventionGenetics, part of Exact Sciences
Classification: Uncertain significance for NEK9-related condition. Last evaluated: 2025-02-04. Review status: criteria provided, single submitter. Criteria: ACMG Guidelines, 2015. Collection method: clinical testing. Allele origin: germline.
Comment: The NEK9 c.1513G>A variant is predicted to result in the amino acid substitution p.Gly505Ser. To our knowledge, this variant has not been reported in the literature. This variant is reported in 0.089% of alleles in individuals of Ashkenazi Jewish descent in gnomAD. At this time, the clinical significance of this variant is uncertain due to the absence of conclusive functional and genetic evidence.

NM_033116.6(NEK9):c.1513G>A (p.Gly505Ser)

Gene: NEK9 (NIMA related kinase 9; minus strand). Cytogenetic location: 14q24.3.
Variant type: single nucleotide variant.
Coding change: c.1513G>A on transcript NM_033116.6 (MANE Select); coding-DNA position 1513, G replaced by A.
Protein change: p.Gly505Ser; replaces glycine 505 with serine.
Molecular consequence: missense variant.
Genome position (GRCh38, 1-based): chr14:75,106,517, C>T on the plus strand (G>A on the coding strand, the complement: NEK9 is on the minus strand). VCF-style: chr14-75106517-C-T. GRCh37 (hg19) VCF-style: chr14-75573220-C-T.
Other names: c.1513G>A, p.Gly505Ser (NM_001329237.2); c.1159G>A, p.Gly387Ser (NM_001329238.2); c.1513G>A (NM_033116.5); short protein forms G505S, G387S.
Identifiers: ClinVar variation 2299066 (VCV002299066.4), dbSNP rs149201547, ClinGen allele CA7276969.